The following is an entry in ClinVar:

ClinVar aggregate classification (germline): Uncertain significance (1 of 4 stars; one submission).

Conditions:
IFT74-related disorder. Also called: IFT74-Related Disorders; IFT74-related condition.

gnomAD v4.1: 2 of 1,605,588 alleles (0.00012%); highest among the groups gnomAD compares: African/African-American, 0.0027%; no homozygotes.

Submission:

PreventionGenetics, part of Exact Sciences
Classification: Uncertain significance for IFT74-related condition. Last evaluated: 2024-10-17. Review status: criteria provided, single submitter. Criteria: ACMG Guidelines, 2015. Collection method: clinical testing. Allele origin: germline.
Comment: The IFT74 c.1268A>C variant is predicted to result in the amino acid substitution p.Asp423Ala. To our knowledge, this variant has not been reported in the literature. This variant is reported in 0.0065% of alleles in individuals of African descent in gnomAD. At this time, the clinical significance of this variant is uncertain due to the absence of conclusive functional and genetic evidence.

NM_025103.4(IFT74):c.1268A>C (p.Asp423Ala)

Gene: IFT74 (intraflagellar transport 74; plus strand). Cytogenetic location: 9p21.2.
Variant type: single nucleotide variant.
Coding change: c.1268A>C on transcript NM_025103.4 (MANE Select); coding-DNA position 1268, A replaced by C.
Protein change: p.Asp423Ala; replaces aspartic acid 423 with alanine.
Molecular consequence: missense variant.
Genome position (GRCh38, 1-based): chr9:27,048,209, A>C. VCF-style: chr9-27048209-A-C. GRCh37 (hg19) VCF-style: chr9-27048207-A-C.
Other names: c.1268A>C, p.Asp423Ala (NM_001099222.3, NM_001099223.3, NM_001349928.2); short protein forms D423A.
Identifiers: ClinVar variation 4989087 (VCV004989087.1).